The following is an entry in ClinVar:

NM_001957.4(EDNRA):c.623C>T (p.Ser208Phe)

Gene: EDNRA (endothelin receptor type A; plus strand). Cytogenetic location: 4q31.23.
Variant type: single nucleotide variant.
Coding change: c.623C>T on transcript NM_001957.4 (MANE Select); coding-DNA position 623, C replaced by T.
Protein change: p.Ser208Phe; replaces serine 208 with phenylalanine.
Molecular consequence: missense variant. On other transcripts: non-coding transcript variant (1), intron variant (1).
Genome position (GRCh38, 1-based): chr4:147,532,580, C>T. VCF-style: chr4-147532580-C-T. GRCh37 (hg19) VCF-style: chr4-148453732-C-T.
Other names: c.421-3297C>T (NM_001166055.2); short protein forms S208F.
Identifiers: ClinVar variation 4989648 (VCV004989648.1).

ClinVar aggregate classification (germline): Uncertain significance (1 of 4 stars; one submission).

Conditions:
EDNRA-related disorder. Also called: EDNRA-related condition.

gnomAD v4.1: 8 of 1,613,976 alleles (0.0005%); highest among the groups gnomAD compares: Non-Finnish European, 0.00059%; no homozygotes.

Submission:

PreventionGenetics, part of Exact Sciences
Classification: Uncertain significance for EDNRA-related condition. Last evaluated: 2025-12-29. Review status: criteria provided, single submitter. Criteria: ACMG Guidelines, 2015. Collection method: clinical testing. Allele origin: germline.
Comment: The EDNRA c.623C>T variant is predicted to result in the amino acid substitution p.Ser208Phe. To our knowledge, this variant has not been reported in the literature or in a large population database (gnomAD), indicating this variant is rare. At this time, the clinical significance of this variant is uncertain due to the absence of conclusive functional and genetic evidence.